The following is an entry in ClinVar:

NM_001252078.2(USP15):c.1506A>G (p.Ile502Met)

Gene: USP15 (ubiquitin specific peptidase 15; plus strand). Cytogenetic location: 12q14.1.
Variant type: single nucleotide variant.
Coding change: c.1506A>G on transcript NM_001252078.2 (MANE Select); coding-DNA position 1506, A replaced by G.
Protein change: p.Ile502Met; replaces isoleucine 502 with methionine.
Molecular consequence: missense variant. On other transcripts: non-coding transcript variant (5).
Genome position (GRCh38, 1-based): chr12:62,389,463, A>G. VCF-style: chr12-62389463-A-G. GRCh37 (hg19) VCF-style: chr12-62783243-A-G.
Other names: c.1143A>G, p.Ile381Met (NM_001351159.2); c.759A>G, p.Ile253Met (NM_001351160.2); c.507A>G, p.Ile169Met (NM_001351163.2, NM_001351164.2, NM_001351165.2 and 1 more transcripts); c.1419A>G, p.Ile473Met (NM_006313.3); short protein forms I169M, I253M, I381M, I473M, I502M.
Identifiers: ClinVar variation 2632097 (VCV002632097.2), dbSNP rs1206098999, ClinGen allele CA385553788.

ClinVar aggregate classification (germline): Uncertain significance (1 of 4 stars; one submission).

Conditions:
USP15-related disorder. Also called: USP15-related condition.

Allele frequency attached by ClinVar (database versions not stated): TOPMed below 0.00001.

Submission:

PreventionGenetics, part of Exact Sciences
Classification: Uncertain significance for USP15-related condition. Last evaluated: 2024-11-04. Review status: criteria provided, single submitter. Criteria: ACMG Guidelines, 2015. Collection method: clinical testing. Allele origin: germline.
Comment: The USP15 c.1506A>G variant is predicted to result in the amino acid substitution p.Ile502Met. To our knowledge, this variant has not been reported in the literature or in a large population database, indicating this variant is rare. At this time, the clinical significance of this variant is uncertain due to the absence of conclusive functional and genetic evidence.